The following is an entry in ClinVar:

NM_001014437.3(CARS1):c.1024G>A (p.Gly342Ser)

Gene: CARS1 (cysteinyl-tRNA synthetase 1; minus strand). Cytogenetic location: 11p15.4.
Variant type: single nucleotide variant.
Coding change: c.1024G>A on transcript NM_001014437.3 (MANE Select); coding-DNA position 1024, G replaced by A.
Protein change: p.Gly342Ser; replaces glycine 342 with serine.
Molecular consequence: missense variant. On other transcripts: non-coding transcript variant (1).
Genome position (GRCh38, 1-based): chr11:3,029,003, C>T on the plus strand (G>A on the coding strand, the complement: CARS1 is on the minus strand). VCF-style: chr11-3029003-C-T. GRCh37 (hg19) VCF-style: chr11-3050233-C-T.
Other names: c.1024G>A, p.Gly342Ser (NM_001194997.2); c.775G>A, p.Gly259Ser (NM_001751.6, NM_139273.4); short protein forms G259S, G342S.
Identifiers: ClinVar variation 778039 (VCV000778039.28), dbSNP rs117234242, ClinGen allele CA5824173.

ClinVar aggregate classification (germline): Benign/Likely benign. Review status: criteria provided, multiple submitters, no conflicts (2 of 4 stars). 3 submissions from 3 submitters: Benign (2); Likely benign (1). Last evaluated 2026-09-01.

Allele frequency attached by ClinVar (database versions not stated): 1000 Genomes Project 0.00200; 1000 Genomes Project 30x 0.00234; TOPMed 0.00431; gnomAD exomes 0.00521 and 0.00715; ExAC 0.00531; gnomAD 0.00536 and 0.00552; ESP Exome Variant Server 0.00577.
gnomAD v4.1: 11,098 of 1,612,928 alleles (0.69%); highest among the groups gnomAD compares: Non-Finnish European, 0.84%; 50 homozygotes.

Submissions (3):

CeGaT Center for Human Genetics Tuebingen
Classification: Likely benign. Last evaluated: 2026-09-01. Review status: criteria provided, single submitter. Criteria: CeGaT Center For Human Genetics Tuebingen Variant Classification Criteria Version 2. Collection method: clinical testing. Allele origin: germline. Affected: yes. Observed: 20 variant alleles.
Comment: CARS1: BS2

Labcorp Genetics (formerly Invitae), Labcorp
Classification: Benign. Last evaluated: 2018-04-26. Review status: criteria provided, single submitter. Criteria: Invitae Variant Classification Sherloc (09022015). Collection method: clinical testing. Allele origin: germline.

Breakthrough Genomics
Classification: Benign. Review status: criteria provided, single submitter. Criteria: ACMG Guidelines, 2015. Collection method: not provided. Allele origin: germline. Inheritance: Autosomal recessive inheritance. Affected: yes.